The following is an entry in ClinVar:

NM_004252.5(NHERF1):c.1000G>A (p.Ala334Thr)

Gene: NHERF1 (NHERF family PDZ scaffold protein 1; plus strand). Cytogenetic location: 17q25.1.
Variant type: single nucleotide variant.
Coding change: c.1000G>A on transcript NM_004252.5 (MANE Select); coding-DNA position 1000, G replaced by A.
Protein change: p.Ala334Thr; replaces alanine 334 with threonine.
Molecular consequence: missense variant.
Genome position (GRCh38, 1-based): chr17:74,768,579, G>A. VCF-style: chr17-74768579-G-A. GRCh37 (hg19) VCF-style: chr17-72764718-G-A.
Other names: short protein forms A334T.
Identifiers: ClinVar variation 1715658 (VCV001715658.5), dbSNP rs2035027075, ClinGen allele CA400942490.

ClinVar aggregate classification (germline): Uncertain significance (1 of 4 stars; one submission).

Allele frequency attached by ClinVar (database versions not stated): gnomAD exomes below 0.00001; gnomAD 0.00001.
gnomAD v4.1: 2 of 1,613,998 alleles (0.00012%); highest among the groups gnomAD compares: African/African-American, 0.0013%; no homozygotes.

Submission:

Labcorp Genetics (formerly Invitae), Labcorp
Classification: Uncertain significance. Last evaluated: 2025-02-17. Review status: criteria provided, single submitter. Criteria: Invitae Variant Classification Sherloc (09022015). Collection method: clinical testing. Allele origin: germline.
Comment: This sequence change replaces alanine, which is neutral and non-polar, with threonine, which is neutral and polar, at codon 334 of the SLC9A3R1 protein (p.Ala334Thr). This variant is not present in population databases (gnomAD no frequency). This variant has not been reported in the literature in individuals affected with SLC9A3R1-related conditions. ClinVar contains an entry for this variant (Variation ID: 1715658). An algorithm developed to predict the effect of missense changes on protein structure and function (PolyPhen-2) suggests that this variant is likely to be disruptive. In summary, the available evidence is currently insufficient to determine the role of this variant in disease. Therefore, it has been classified as a Variant of Uncertain Significance.